The following is an entry in ClinVar:

ClinVar aggregate classification (germline): Uncertain significance. Review status: criteria provided, multiple submitters, no conflicts (2 of 4 stars). 2 submissions from 2 submitters: Uncertain significance (2). Last evaluated 2025-03-18.

Conditions:
Inborn genetic diseases. Identifiers: MedGen C0950123, MeSH D030342.

gnomAD v4.1: 1 of 1,567,396 alleles (0.000064%); highest among the groups gnomAD compares: Non-Finnish European, 0.000086%; no homozygotes.

Submissions (2):

Ambry Genetics
Classification: Uncertain significance for Inborn genetic diseases. Last evaluated: 2025-03-18. Review status: criteria provided, single submitter. Criteria: Ambry Variant Classification Scheme 2023. Collection method: clinical testing. Allele origin: germline.

GeneDx
Classification: Uncertain significance. Last evaluated: 2024-12-10. Review status: criteria provided, single submitter. Criteria: GeneDx Variant Classification Process June 2021. Collection method: clinical testing. Allele origin: germline. Affected: yes.
Comment: Not observed at significant frequency in large population cohorts (gnomAD); In silico analysis supports that this missense variant has a deleterious effect on protein structure/function; Has not been previously published as pathogenic or benign to our knowledge

NM_001829.4(CLCN3):c.1025A>C (p.Tyr342Ser)

Gene: CLCN3 (chloride voltage-gated channel 3; plus strand). Cytogenetic location: 4q33.
Variant type: single nucleotide variant.
Coding change: c.1025A>C on transcript NM_001829.4 (MANE Select); coding-DNA position 1025, A replaced by C.
Protein change: p.Tyr342Ser; replaces tyrosine 342 with serine.
Molecular consequence: missense variant.
Genome position (GRCh38, 1-based): chr4:169,697,196, A>C. VCF-style: chr4-169697196-A-C. GRCh37 (hg19) VCF-style: chr4-170618347-A-C.
Other names: c.944A>C, p.Tyr315Ser (NM_001243372.2, NM_001243374.2); c.1025A>C, p.Tyr342Ser (NM_173872.4); short protein forms Y315S, Y342S.
Identifiers: ClinVar variation 3902909 (VCV003902909.2).